The following is an entry in ClinVar:

ClinVar aggregate classification (germline): Conflicting classifications of pathogenicity. Review status: criteria provided, conflicting classifications (1 of 4 stars). 10 submissions from 10 submitters: Uncertain significance (1); Benign (4); Likely benign (3). 2 of the submissions do not count toward it. Last evaluated 2025-11-01.

Conditions:
PKD1-related disorder. Also called: PKD1-related condition.
Polycystic kidney disease, adult type (PKD1). Also called: Polycystic Kidney, Autosomal Dominant; POLYCYSTIC KIDNEY DISEASE 1 WITH OR WITHOUT POLYCYSTIC LIVER DISEASE; Polycystic Kidney Disease 1, Autosomal Dominant; Polycystic kidney disease 1; Polycystic kidney disease 1, severe; POLYCYSTIC KIDNEY DISEASE, ADULT, TYPE I. Identifiers: MedGen C3149841, MONDO:0008263, OMIM 173900.
Polycystic kidney disease. Also called: Polycystic kidney dysplasia; Kidney, Polycystic. Identifiers: MedGen C0022680, MeSH D007690, MONDO:0020642, HP:0000113.

Allele frequency attached by ClinVar (database versions not stated): gnomAD exomes 0.00119; ExAC 0.00158; 1000 Genomes Project 0.00419; 1000 Genomes Project 30x 0.00422; ESP Exome Variant Server 0.00440; TOPMed 0.00499; gnomAD 0.00551.
gnomAD v4.1: 1,546 of 1,610,818 alleles (0.096%); highest among the groups gnomAD compares: African/African-American, 1.6%; 13 homozygotes.

Submissions (10):

CeGaT Center for Human Genetics Tuebingen
Classification: Likely benign. Last evaluated: 2025-11-01. Review status: criteria provided, single submitter. Criteria: CeGaT Center For Human Genetics Tuebingen Variant Classification Criteria Version 2. Collection method: clinical testing. Allele origin: germline. Affected: yes. Observed: 3 variant alleles.
Comment: PKD1: BP4

Women's Health and Genetics/Laboratory Corporation of America, LabCorp
Classification: Likely benign. Last evaluated: 2025-07-01. Review status: criteria provided, single submitter. Criteria: LabCorp Variant Classification Summary - May 2015. Collection method: clinical testing. Allele origin: germline.
Comment: Variant summary: PKD1 c.4051C>T (p.Arg1351Trp) results in a non-conservative amino acid change in the encoded protein sequence. Algorithms developed to predict the effect of missense changes on protein structure and function are either unavailable or do not agree on the potential impact of this missense change. The variant allele was found at a frequency of 0.0012 in 248094 control chromosomes, predominantly at a frequency of 0.015 within the African or African-American subpopulation in the gnomAD database. The observed variant frequency within African or African-American control individuals in the gnomAD database exceeds the estimated maximal expected allele frequency for a pathogenic variant in PKD1 causing PKD1-Biallelic Autosomal Recessive Polycystic Kidney Disease phenotype. c.4051C>T has been observed in individual(s) affected with PKD1-related conditions without strong evidence for causality (Garcia-Gonzalez_2007, Kim_2019, Fujimaru_2018, Rossetti_2007), as well as healthy controls (Kinoshita_2016). These report(s) do not provide unequivocal conclusions about association of the variant with PKD1-Biallelic Autosomal Recessive Polycystic Kidney Disease. To our knowledge, no experimental evidence demonstrating an impact on protein function has been reported. The following publications have been ascertained in the context of this evaluation (PMID: 29520754, 31740684, 27835667, 17582161, 17574468). ClinVar contains an entry for this variant (Variation ID: 225439). Based on the evidence outlined above, the variant was classified as likely benign.

Blueprint Genetics
Classification: Likely benign. Last evaluated: 2024-11-25. Review status: criteria provided, single submitter. Criteria: ACMG Guidelines, 2015. Collection method: clinical testing. Allele origin: germline.

Athena Diagnostics
Classification: Benign. Last evaluated: 2024-07-30. Review status: criteria provided, single submitter. Criteria: Athena Diagnostics Criteria. Collection method: clinical testing. Allele origin: unknown.

Mayo Clinic Laboratories, Mayo Clinic
Classification: Benign. Last evaluated: 2024-05-14. Review status: criteria provided, single submitter. Criteria: ACMG Guidelines, 2015. Collection method: clinical testing. Allele origin: germline. Observed: 4 variant alleles.
Comment: BA1, BS2, BP4

Mendelics
Classification: Benign for Polycystic kidney disease, adult type. Last evaluated: 2023-08-22. Review status: criteria provided, single submitter. Criteria: Mendelics Assertion Criteria 2019. Collection method: clinical testing. Allele origin: germline.

GeneDx
Classification: Benign. Last evaluated: 2020-02-26. Review status: criteria provided, single submitter. Criteria: GeneDx Variant Classification Process June 2021. Collection method: clinical testing. Allele origin: germline. Affected: yes.
Comment: This variant is associated with the following publications: (PMID: 22995991, 17574468, 17582161)

Soonchunhyang University Bucheon Hospital, Soonchunhyang University Medical Center
Classification: Uncertain significance for Polycystic kidney disease, adult type. Last evaluated: 2016-03-18. Review status: criteria provided, single submitter. Criteria: ACMG Guidelines, 2015. Collection method: reference population. Allele origin: germline. Observed: 1 variant allele.

PreventionGenetics, part of Exact Sciences
Classification: Benign for PKD1-related condition. Last evaluated: 2019-08-20. Review status: no assertion criteria provided. Collection method: clinical testing. Allele origin: germline. Not counted in ClinVar's aggregate classification.
Comment: This variant is classified as benign based on ACMG/AMP sequence variant interpretation guidelines (Richards et al. 2015 PMID: 25741868, with internal and published modifications).

Department of Pathology and Laboratory Medicine, Sinai Health System
Classification: Benign for Polycystic Kidney disease. Review status: no assertion criteria provided. Collection method: clinical testing. Allele origin: unknown. Affected: yes. Study: The Canadian Open Genetics Repository (COGR). Not counted in ClinVar's aggregate classification.
Comment: The PKD1 p.Arg1351Trp variant was identified in 2 of 568 proband chromosomes (frequency: 0.004) from individuals or families with ADPKD (Rossetti_2007, Garcia-Gonzalez_2007). The variant was also identified in dbSNP (ID: rs55840049) â€šÃ„ÃºWith Uncertain significance alleleâ€šÃ„Ã¹, ClinVar (classified uncertain significance by Soonchunhyang University Bucheon Hospital), ADPKD Mutation Database (classified likely neutral), and not in COGR, LOVD 3.0, and PKD1-LOVD. The variant was identified in control databases in 466 of 275234 chromosomes (2 homozygous) at a frequency of 0.002 increasing the likelihood this could be a low frequency benign variant (Genome Aggregation Database Feb 27, 2017). It was observed in the following populations: African in 396 (1 homozygous) of 23852 chromosomes (freq: 0.02), Other in 7 of 6410 chromosomes (freq: 0.001), Latino in 28 of 34396 chromosomes (freq: 0.0008), European Non-Finnish in 10 of 125168 chromosomes (freq: 0.00008), East Asian in 23 (1 homozygous) of 18814 chromosomes (freq: 0.001), and South Asian in 2 of 30768 chromosomes (freq: 0.00007); it was not observed in the Ashkenazi Jewish and European Finnish populations. The p.Arg1351 residue is conserved in mammals and computational analyses (PolyPhen-2, SIFT, AlignGVGD, BLOSUM, MutationTaster) provide inconsistent predictions regarding the impact of the variant Trp to the protein; this information is not very predictive of pathogenicity. The variant occurs outside of the splicing consensus sequence and in silico or computational prediction software programs (SpliceSiteFinder, MaxEntScan, NNSPLICE, GeneSplicer, HumanSpliceFinder) do not predict a difference in splicing. In summary, based on the above information this variant meets our laboratory criteria to be classified as benign.

Literature cited by the submitters: PubMed 31740684 (cited by Women's Health and Genetics/Laboratory Corporation of America, LabCorp); PubMed 17582161 (cited by Women's Health and Genetics/Laboratory Corporation of America, LabCorp and Athena Diagnostics); PubMed 17574468 (cited by 4 submitters); PubMed 29520754 (cited by Women's Health and Genetics/Laboratory Corporation of America, LabCorp); PubMed 27835667 (cited by Women's Health and Genetics/Laboratory Corporation of America, LabCorp); PubMed 22995991 (cited by Athena Diagnostics).

NM_001009944.3(PKD1):c.4051C>T (p.Arg1351Trp)

Gene: PKD1 (polycystin 1, transient receptor potential channel interacting; minus strand). Cytogenetic location: 16p13.3.
Variant type: single nucleotide variant.
Coding change: c.4051C>T on transcript NM_001009944.3 (MANE Select); coding-DNA position 4051, C replaced by T.
Protein change: p.Arg1351Trp; replaces arginine 1351 with tryptophan.
Molecular consequence: missense variant.
Genome position (GRCh38, 1-based): chr16:2,111,116, G>A on the plus strand (C>T on the coding strand, the complement: PKD1 is on the minus strand). VCF-style: chr16-2111116-G-A. GRCh37 (hg19) VCF-style: chr16-2161117-G-A.
Other names: p.Arg1351Trp; c.4051C>T, p.Arg1351Trp (NM_000296.4); short protein forms R1351W.
Identifiers: ClinVar variation 225439 (VCV000225439.23), dbSNP rs55840049, ClinGen allele CA7832511.
Genomic context (GRCh38, chr16:2,111,116, plus strand): 5'-AGTAATGCGCCCTGTTCACGCGGCTGGACAGCACCAGCGCCAGGGGGAACGTGCCGCTCC[G>A]CGTGAAGTTGTGTGTCACCGTCGGGCACCCCCGCACGGTCGTGTTGGAGGAGCCATCCCC-3'
Protein context (NP_001009944.3, residues 1341-1361): GCPTVTHNFT[Arg1351Trp]SGTFPLALVL